The following is an entry in ClinVar:

ClinVar aggregate classification (germline): Likely benign. Review status: criteria provided, multiple submitters, no conflicts (2 of 4 stars). 2 submissions from 2 submitters: Likely benign (2). Last evaluated 2018-06-14.

Allele frequency attached by ClinVar (database versions not stated): 1000 Genomes Project 30x 0.01452; 1000 Genomes Project 0.01558; TOPMed 0.02642; gnomAD 0.02679 and 0.02699; gnomAD exomes 0.03030.
gnomAD v4.1: 15,147 of 513,288 alleles (3%); highest among the groups gnomAD compares: Middle Eastern, 8.2%; 320 homozygotes.

Submissions (2):

GeneDx
Classification: Likely benign. Last evaluated: 2018-06-14. Review status: criteria provided, single submitter. Criteria: GeneDx Variant Classification (06012015). Collection method: clinical testing. Allele origin: germline. Affected: yes.
Comment: This variant is considered likely benign or benign based on one or more of the following criteria: it is a conservative change, it occurs at a poorly conserved position in the protein, it is predicted to be benign by multiple in silico algorithms, and/or has population frequency not consistent with disease.

Breakthrough Genomics
Classification: Likely benign. Review status: criteria provided, single submitter. Criteria: ACMG Guidelines, 2015. Collection method: not provided. Allele origin: germline. Inheritance: Autosomal dominant inheritance. Affected: yes.

NM_004408.4(DNM1):c.1782-186G>A

Gene: DNM1 (dynamin 1; plus strand). Cytogenetic location: 9q34.11.
Variant type: single nucleotide variant.
Coding change: c.1782-186G>A on transcript NM_004408.4 (MANE Select); 186 bases into the intron before coding-DNA position 1782, G replaced by A.
Molecular consequence: intron variant.
Genome position (GRCh38, 1-based): chr9:128,247,189, G>A. VCF-style: chr9-128247189-G-A. GRCh37 (hg19) VCF-style: chr9-131009468-G-A.
Other names: c.1782-186G>A (NM_001005336.3, NM_001288738.2, NM_001288737.2 and 1 more transcripts).
Identifiers: ClinVar variation 677574 (VCV000677574.2), dbSNP rs117907146, ClinGen allele CA200365536.
Genomic context (GRCh38, chr9:128,247,189, plus strand): 5'-GTCCCCTTCTAAGCATTTTACCACTCACTTCACTGAATCCTCAGTGACCCAAGGAGGCAG[G>A]AATTATTATTAACCCATCTTCCCAGTGAGGAAACTGAGGCTGAGAGGAAGGGACTTGCAC-3'